The following is an entry in ClinVar:

NM_007294.4(BRCA1):c.1925A>T (p.Asp642Val)

Gene: BRCA1 (BRCA1 DNA repair associated; minus strand). Cytogenetic location: 17q21.31.
Variant type: single nucleotide variant.
Coding change: c.1925A>T on transcript NM_007294.4 (MANE Select); coding-DNA position 1925, A replaced by T.
Protein change: p.Asp642Val; replaces aspartic acid 642 with valine.
Molecular consequence: missense variant. On other transcripts: intron variant (137).
Genome position (GRCh38, 1-based): chr17:43,093,606, T>A on the plus strand (A>T on the coding strand, the complement: BRCA1 is on the minus strand). VCF-style: chr17-43093606-T-A. GRCh37 (hg19) VCF-style: chr17-41245623-T-A.
Other names: c.1781A>T, p.Asp594Val (NM_001407943.1, NM_001407964.1, NM_001407740.1 and 20 more transcripts); c.1784A>T, p.Asp595Val (NM_001407944.1, NM_001407945.1, NM_001407695.1 and 29 more transcripts); c.1592A>T, p.Asp531Val (NM_001407946.1, NM_001407947.1, NM_001407948.1 and 6 more transcripts); c.1544A>T, p.Asp515Val (NM_001407959.1, NM_001407960.1, NM_001407963.1); c.1541A>T, p.Asp514Val (NM_001407962.1); c.1421A>T, p.Asp474Val (NM_001407965.1); c.1037A>T, p.Asp346Val (NM_001407966.1, NM_001407967.1); c.1712A>T, p.Asp571Val (NM_001407571.1, NM_001407894.1, NM_001407915.1 and 9 more transcripts); and 40 more; short protein forms D595V, D642V, D531V, D615V, D639V, D474V, D515V, D575V.
Identifiers: ClinVar variation 1504838 (VCV001504838.11), dbSNP rs786204049, ClinGen allele CA10598175.

ClinVar aggregate classification (germline): Conflicting classifications of pathogenicity. Review status: criteria provided, conflicting classifications (1 of 4 stars). 2 submissions from 2 submitters: Uncertain significance (1); Likely benign (1). Last evaluated 2023-03-23.

Conditions:
Hereditary cancer-predisposing syndrome. Also called: Hereditary neoplastic syndrome; Tumor predisposition; Neoplastic Syndromes, Hereditary; Hereditary Cancer Syndrome. Identifiers: Orphanet 140162, MedGen C0027672, MeSH D009386, MONDO:0015356.
Hereditary breast ovarian cancer syndrome. Also called: Hereditary breast and ovarian cancer; Breast and ovarian cancer; BRCA1- and BRCA2-Associated Hereditary Breast and Ovarian Cancer; Hereditary breast and/or ovarian cancer syndrome; Hereditary breast and ovarian cancer syndrome; Hereditary breast and ovarian cancer syndrome (HBOC). Identifiers: Orphanet 145, MedGen C0677776, MeSH D061325, MONDO:0003582. Disease mechanism: loss of function.

Submissions (2):

University of Washington Department of Laboratory Medicine, University of Washington
Classification: Likely benign for Hereditary cancer-predisposing syndrome. Last evaluated: 2023-03-23. Review status: criteria provided, single submitter. Criteria: Dines et al. (Genet Med. 2020). Collection method: curation. Allele origin: germline.
Comment: Missense variant in a coldspot region where missense variants are very unlikely to be pathogenic (PMID:31911673).

BRCA1 coldspot (exon 11 using historical exon numbering). Reclassification based on statistical prior probability

Labcorp Genetics (formerly Invitae), Labcorp
Classification: Uncertain significance for Hereditary breast ovarian cancer syndrome. Last evaluated: 2021-04-21. Review status: criteria provided, single submitter. Criteria: Invitae Variant Classification Sherloc (09022015). Collection method: clinical testing. Allele origin: germline.
Comment: This variant has not been reported in the literature in individuals with BRCA1-related conditions. In summary, the available evidence is currently insufficient to determine the role of this variant in disease. Therefore, it has been classified as a Variant of Uncertain Significance. Advanced modeling of protein sequence and biophysical properties (such as structural, functional, and spatial information, amino acid conservation, physicochemical variation, residue mobility, and thermodynamic stability) performed at Invitae indicates that this missense variant is not expected to disrupt BRCA1 protein function. This variant is not present in population databases (ExAC no frequency). This sequence change replaces aspartic acid with valine at codon 642 of the BRCA1 protein (p.Asp642Val). The aspartic acid residue is moderately conserved and there is a large physicochemical difference between aspartic acid and valine.